The following is an entry in ClinVar:

ClinVar aggregate classification (germline): Uncertain significance (1 of 4 stars; one submission).

Conditions:
Developmental and epileptic encephalopathy, 2 (DEE2). Also called: INFANTILE SPASM SYNDROME, X-LINKED 2; CDKL5 deficiency disorder. Identifiers: Orphanet 1934, Orphanet 3451, Orphanet 505652, MedGen C4750718, MONDO:0010396, OMIM 300672.
Angelman syndrome-like. Identifiers: MedGen CN128785.

Submission:

Labcorp Genetics (formerly Invitae), Labcorp
Classification: Uncertain significance for Developmental and epileptic encephalopathy, 2; Angelman syndrome-like. Last evaluated: 2024-04-29. Review status: criteria provided, single submitter. Criteria: Invitae Variant Classification Sherloc (09022015). Collection method: clinical testing. Allele origin: germline.
Comment: This sequence change replaces threonine, which is neutral and polar, with alanine, which is neutral and non-polar, at codon 431 of the CDKL5 protein (p.Thr431Ala). This variant is not present in population databases (gnomAD no frequency). This variant has not been reported in the literature in individuals affected with CDKL5-related conditions. ClinVar contains an entry for this variant (Variation ID: 2099556). Advanced modeling of protein sequence and biophysical properties (such as structural, functional, and spatial information, amino acid conservation, physicochemical variation, residue mobility, and thermodynamic stability) performed at Invitae indicates that this missense variant is not expected to disrupt CDKL5 protein function with a negative predictive value of 95%. In summary, the available evidence is currently insufficient to determine the role of this variant in disease. Therefore, it has been classified as a Variant of Uncertain Significance.

NM_001323289.2(CDKL5):c.1291A>G (p.Thr431Ala)

Gene: CDKL5 (cyclin dependent kinase like 5; plus strand). Cytogenetic location: Xp22.13.
Variant type: single nucleotide variant.
Coding change: c.1291A>G on transcript NM_001323289.2 (MANE Select); coding-DNA position 1291, A replaced by G.
Protein change: p.Thr431Ala; replaces threonine 431 with alanine.
Molecular consequence: missense variant.
Genome position (GRCh38, 1-based): chrX:18,604,215, A>G. VCF-style: chrX-18604215-A-G. GRCh37 (hg19) VCF-style: chrX-18622335-A-G.
Other names: c.1291A>G, p.Thr431Ala (NM_001037343.2, NM_003159.3); short protein forms T431A.
Identifiers: ClinVar variation 2099556 (VCV002099556.4), dbSNP rs2518874076, ClinGen allele CA412360297.
Genomic context (GRCh38, chrX:18,604,215, plus strand): 5'-GCCAAGTCAAAAACAGAGTTTGATTTTAATATTGACCCAAAGCCTTCAGAAGGCCCAGGG[A>G]CAAAGTACCTCAAGTCAAACAGCAGATCTCAGCAGAACCGCCACTCATTCATGGAAAGCT-3'
Protein context (NP_001310218.1, residues 421-441): IDPKPSEGPG[Thr431Ala]KYLKSNSRSQ